The following is an entry in ClinVar:

NM_000485.3(APRT):c.175G>A (p.Asp59Asn)

Gene: APRT (adenine phosphoribosyltransferase; minus strand). Cytogenetic location: 16q24.3.
Variant type: single nucleotide variant.
Coding change: c.175G>A on transcript NM_000485.3 (MANE Select); coding-DNA position 175, G replaced by A.
Protein change: p.Asp59Asn; replaces aspartic acid 59 with asparagine.
Molecular consequence: missense variant.
Genome position (GRCh38, 1-based): chr16:88,811,562, C>T on the plus strand (G>A on the coding strand, the complement: APRT is on the minus strand). VCF-style: chr16-88811562-C-T. GRCh37 (hg19) VCF-style: chr16-88877970-C-T.
Other names: c.175G>A (NM_000485.2); c.175G>A, p.Asp59Asn (NM_001030018.2); short protein forms D59N.
Identifiers: ClinVar variation 1420547 (VCV001420547.9), dbSNP rs768268700, ClinGen allele CA8234547.
Genomic context (GRCh38, chr16:88,811,562, plus strand): 5'-GCGCGCGCAGAGGCGGAAGCGCCCTAGATGCGGCCACTGGGCACTCGCCTGCGATGTAGT[C>T]GATGCGGCCCCCGTGGGTCGCCTTCAGGTGTCGCGCCAGGAGGCCGATGGCGGCGCGGAA-3'
Protein context (NP_000476.1, residues 49-69): HLKATHGGRI[Asp59Asn]YIAGLDSRGF

ClinVar aggregate classification (germline): Uncertain significance. Review status: criteria provided, multiple submitters, no conflicts (2 of 4 stars). 4 submissions from 4 submitters: Uncertain significance (4). Last evaluated 2024-11-20.

Conditions:
Inborn genetic diseases. Identifiers: MedGen C0950123, MeSH D030342.
Adenine phosphoribosyltransferase deficiency (APRTD). Also called: APRT DEFICIENCY; NEPHROLITHIASIS, DHA; Urolithiasis, dha; 2,8-dihydroxyadenine urolithiasis. Identifiers: Orphanet 976, MedGen C0268120, MONDO:0013869, OMIM 614723.

Allele frequency attached by ClinVar (database versions not stated): gnomAD 0.00004 and 0.00005; TOPMed 0.00004.
gnomAD v4.1: 77 of 1,597,232 alleles (0.0048%); highest among the groups gnomAD compares: South Asian, 0.015%; no homozygotes.

Submissions (4):

Blueprint Genetics
Classification: Uncertain significance. Last evaluated: 2024-11-20. Review status: criteria provided, single submitter. Criteria: ACMG Guidelines, 2015. Collection method: clinical testing. Allele origin: germline.

Ambry Genetics
Classification: Uncertain significance for Inborn genetic diseases. Last evaluated: 2024-03-26. Review status: criteria provided, single submitter. Criteria: Ambry Variant Classification Scheme 2023. Collection method: clinical testing. Allele origin: germline.

Fulgent Genetics
Classification: Uncertain significance for Adenine phosphoribosyltransferase deficiency. Last evaluated: 2022-01-12. Review status: criteria provided, single submitter. Criteria: ACMG Guidelines, 2015. Collection method: clinical testing. Allele origin: unknown.

Labcorp Genetics (formerly Invitae), Labcorp
Classification: Uncertain significance. Last evaluated: 2021-11-14. Review status: criteria provided, single submitter. Criteria: Invitae Variant Classification Sherloc (09022015). Collection method: clinical testing. Allele origin: germline.
Comment: This variant is present in population databases (rs768268700, gnomAD 0.1%). This variant has not been reported in the literature in individuals affected with APRT-related conditions. Algorithms developed to predict the effect of missense changes on protein structure and function are either unavailable or do not agree on the potential impact of this missense change (SIFT: "Tolerated"; PolyPhen-2: "Probably Damaging"; Align-GVGD: "Class C0"). In summary, the available evidence is currently insufficient to determine the role of this variant in disease. Therefore, it has been classified as a Variant of Uncertain Significance. This sequence change replaces aspartic acid, which is acidic and polar, with asparagine, which is neutral and polar, at codon 59 of the APRT protein (p.Asp59Asn).